The following is an entry in ClinVar:

ClinVar aggregate classification (germline): Uncertain significance (1 of 4 stars; one submission).

Conditions:
Familial adenomatous polyposis 2. Also called: MUTYH-associated polyposis; Adenomas, multiple colorectal; COLORECTAL ADENOMATOUS POLYPOSIS, AUTOSOMAL RECESSIVE; ADENOMAS, MULTIPLE COLORECTAL, AUTOSOMAL RECESSIVE; MUTYH-related attenuated familial adenomatous polyposis; MYH-associated polyposis. Identifiers: Orphanet 220460, Orphanet 247798, MedGen C3272841, MONDO:0012041, OMIM 608456.

Submission:

Labcorp Genetics (formerly Invitae), Labcorp
Classification: Uncertain significance for Familial adenomatous polyposis 2. Last evaluated: 2024-04-02. Review status: criteria provided, single submitter. Criteria: Invitae Variant Classification Sherloc (09022015). Collection method: clinical testing. Allele origin: germline.
Comment: This sequence change replaces serine, which is neutral and polar, with asparagine, which is neutral and polar, at codon 326 of the MUTYH protein (p.Ser326Asn). This variant is not present in population databases (gnomAD no frequency). This variant has not been reported in the literature in individuals affected with MUTYH-related conditions. Algorithms developed to predict the effect of missense changes on protein structure and function output the following: SIFT: "Not Available"; PolyPhen-2: "Benign"; Align-GVGD: "Not Available". The asparagine amino acid residue is found in multiple mammalian species, which suggests that this missense change does not adversely affect protein function. In summary, the available evidence is currently insufficient to determine the role of this variant in disease. Therefore, it has been classified as a Variant of Uncertain Significance.

NM_001048174.2(MUTYH):c.893G>A (p.Ser298Asn)

Gene: MUTYH (mutY DNA glycosylase; minus strand). Cytogenetic location: 1p34.1.
Variant type: single nucleotide variant.
Coding change: c.893G>A on transcript NM_001048174.2 (MANE Select); coding-DNA position 893, G replaced by A.
Protein change: p.Ser298Asn; replaces serine 298 with asparagine.
Molecular consequence: missense variant. On other transcripts: non-coding transcript variant (7).
Genome position (GRCh38, 1-based): chr1:45,332,043, C>T on the plus strand (G>A on the coding strand, the complement: MUTYH is on the minus strand). VCF-style: chr1-45332043-C-T. GRCh37 (hg19) VCF-style: chr1-45797715-C-T.
Other names: c.893G>A, p.Ser298Asn (NM_001293195.2, NM_001407070.1, NM_001407072.1 and 6 more transcripts); c.617G>A, p.Ser206Asn (NM_001293196.2, NM_001407091.1, NM_001293192.2); c.548G>A, p.Ser183Asn (NM_001350650.2, NM_001350651.2, NM_001407082.1); c.926G>A, p.Ser309Asn (NM_001407069.1, NM_001407077.1, NM_001293191.2); c.896G>A, p.Ser299Asn (NM_001407071.1, NM_001407078.1, NM_001407086.1 and 1 more transcripts); c.809G>A, p.Ser270Asn (NM_001407075.1); c.854G>A, p.Ser285Asn (NM_001407079.1); c.851G>A, p.Ser284Asn (NM_001407080.1); and 5 more; short protein forms S298N, S309N, S312N, S326N, S183N, S299N, S323N, S270N.
Identifiers: ClinVar variation 2768179 (VCV002768179.3), dbSNP rs2524049529, ClinGen allele CA340134077.